The following is an entry in ClinVar:

ClinVar aggregate classification (germline): Uncertain significance (1 of 4 stars; one submission).

Conditions:
Inborn genetic diseases. Identifiers: MedGen C0950123, MeSH D030342.

Submission:

Ambry Genetics
Classification: Uncertain significance for Inborn genetic diseases. Last evaluated: 2021-07-18. Review status: criteria provided, single submitter. Criteria: Ambry Variant Classification Scheme 2023. Collection method: clinical testing. Allele origin: germline.
Comment: The p.P375R variant (also known as c.1124C>G), located in coding exon 7 of the DHCR7 gene, results from a C to G substitution at nucleotide position 1124. The proline at codon 375 is replaced by arginine, an amino acid with dissimilar properties. This amino acid position is conserved. In addition, this alteration is predicted to be deleterious by in silico analysis. Since supporting evidence is limited at this time, the clinical significance of this alteration remains unclear.

NM_001360.3(DHCR7):c.1124C>G (p.Pro375Arg)

Gene: DHCR7 (7-dehydrocholesterol reductase; minus strand). Cytogenetic location: 11q13.4.
Variant type: single nucleotide variant.
Coding change: c.1124C>G on transcript NM_001360.3 (MANE Select); coding-DNA position 1124, C replaced by G.
Protein change: p.Pro375Arg; replaces proline 375 with arginine.
Molecular consequence: missense variant.
Genome position (GRCh38, 1-based): chr11:71,435,679, G>C on the plus strand (C>G on the coding strand, the complement: DHCR7 is on the minus strand). VCF-style: chr11-71435679-G-C. GRCh37 (hg19) VCF-style: chr11-71146725-G-C.
Other names: c.1124C>G, p.Pro375Arg (NM_001163817.2); short protein forms P375R.
Identifiers: ClinVar variation 1798633 (VCV001798633.2), dbSNP rs2539209520, ClinGen allele CA381701936.